The following is an entry in ClinVar:

NM_001378454.1(ALMS1):c.10870T>C (p.Ser3624Pro)

Gene: ALMS1 (ALMS1 centrosome and basal body associated protein; plus strand). Cytogenetic location: 2p13.1.
Variant type: single nucleotide variant.
Coding change: c.10870T>C on transcript NM_001378454.1 (MANE Select); coding-DNA position 10870, T replaced by C.
Protein change: p.Ser3624Pro; replaces serine 3624 with proline.
Molecular consequence: missense variant.
Genome position (GRCh38, 1-based): chr2:73,572,747, T>C. VCF-style: chr2-73572747-T-C. GRCh37 (hg19) VCF-style: chr2-73799874-T-C.
Other names: c.10867T>C (NM_015120.4); c.10873T>C, p.Ser3625Pro (NM_015120.4); short protein forms S3625P, S3624P.
Identifiers: ClinVar variation 667192 (VCV000667192.4), dbSNP rs1573030477, ClinGen allele CA347285964.

ClinVar aggregate classification (germline): Uncertain significance (1 of 4 stars; one submission).

Submission:

Laboratory for Molecular Medicine, Mass General Brigham Personalized Medicine
Classification: Uncertain significance. Last evaluated: 2018-12-27. Review status: criteria provided, single submitter. Criteria: LMM Criteria. Collection method: clinical testing. Allele origin: germline. Observed: 1 variant allele.
Comment: The p.Ser3625Pro variant in ALMS1 has not been previously reported in individual s with hearing loss or Alstrom syndrome and was absent from large population dat abases. Computational prediction tools and conservation analysis do not provide strong support for or against an impact to the protein. In summary, the clinical significance of the p.Ser3625Pro variant is uncertain. ACMG/AMP Criteria applie d: PM2.